The following is an entry in ClinVar:

NM_003482.4(KMT2D):c.2558C>T (p.Pro853Leu)

Gene: KMT2D (lysine methyltransferase 2D; minus strand). Cytogenetic location: 12q13.12.
Variant type: single nucleotide variant.
Coding change: c.2558C>T on transcript NM_003482.4 (MANE Select); coding-DNA position 2558, C replaced by T.
Protein change: p.Pro853Leu; replaces proline 853 with leucine.
Molecular consequence: missense variant.
Genome position (GRCh38, 1-based): chr12:49,051,125, G>A on the plus strand (C>T on the coding strand, the complement: KMT2D is on the minus strand). VCF-style: chr12-49051125-G-A. GRCh37 (hg19) VCF-style: chr12-49444908-G-A.
Other names: short protein forms P853L.
Identifiers: ClinVar variation 4741190 (VCV004741190.1).

ClinVar aggregate classification (germline): Uncertain significance (1 of 4 stars; one submission).

Conditions:
Kabuki syndrome. Also called: NIIKAWA-KUROKI SYNDROME; Kabuki make-up syndrome. Identifiers: Orphanet 2322, MedGen C0796004, MONDO:0016512.

gnomAD v4.1: 2 of 1,521,354 alleles (0.00013%); highest among the groups gnomAD compares: Non-Finnish European, 0.00018%; no homozygotes.

Submission:

Labcorp Genetics (formerly Invitae), Labcorp
Classification: Uncertain significance for Kabuki syndrome. Last evaluated: 2025-04-01. Review status: criteria provided, single submitter. Criteria: Invitae Variant Classification Sherloc (09022015). Collection method: clinical testing. Allele origin: germline.
Comment: This sequence change replaces proline, which is neutral and non-polar, with leucine, which is neutral and non-polar, at codon 853 of the KMT2D protein (p.Pro853Leu). This variant is not present in population databases (gnomAD no frequency). This variant has not been reported in the literature in individuals affected with KMT2D-related conditions. Invitae Evidence Modeling of protein sequence and biophysical properties (such as structural, functional, and spatial information, amino acid conservation, physicochemical variation, residue mobility, and thermodynamic stability) indicates that this missense variant is not expected to disrupt KMT2D protein function with a negative predictive value of 95%. In summary, the available evidence is currently insufficient to determine the role of this variant in disease. Therefore, it has been classified as a Variant of Uncertain Significance.